The following is an entry in ClinVar:

NM_000539.3(RHO):c.341G>T (p.Gly114Val)

Gene: RHO (rhodopsin; plus strand). Cytogenetic location: 3q22.1.
Variant type: single nucleotide variant.
Coding change: c.341G>T on transcript NM_000539.3 (MANE Select); coding-DNA position 341, G replaced by T.
Protein change: p.Gly114Val; replaces glycine 114 with valine.
Molecular consequence: missense variant.
Genome position (GRCh38, 1-based): chr3:129,529,074, G>T. VCF-style: chr3-129529074-G-T. GRCh37 (hg19) VCF-style: chr3-129247917-G-T.
Other names: short protein forms G114V.
Identifiers: ClinVar variation 866113 (VCV000866113.5), dbSNP rs104893788, ClinGen allele CA354496965.

ClinVar aggregate classification (germline): Pathogenic. Review status: criteria provided, multiple submitters, no conflicts (2 of 4 stars). 2 submissions from 2 submitters: Pathogenic (2). Last evaluated 2024-09-11.

Conditions:
RHO-related disorder. Also called: RHO-related condition.

Submissions (2):

Blueprint Genetics
Classification: Pathogenic for RHO-related disorders. Last evaluated: 2024-09-11. Review status: criteria provided, single submitter. Criteria: ACMG Guidelines, 2015. Collection method: clinical testing. Allele origin: germline. Affected: yes. Observed: 3 variant alleles.

Labcorp Genetics (formerly Invitae), Labcorp
Classification: Pathogenic. Last evaluated: 2024-01-06. Review status: criteria provided, single submitter. Criteria: Invitae Variant Classification Sherloc (09022015). Collection method: clinical testing. Allele origin: germline.
Comment: This sequence change replaces glycine, which is neutral and non-polar, with valine, which is neutral and non-polar, at codon 114 of the RHO protein (p.Gly114Val). This variant is not present in population databases (gnomAD no frequency). This missense change has been observed in individual(s) with autosomal dominant retinitis pigmentosa (PMID: 10967073). It has also been observed to segregate with disease in related individuals. ClinVar contains an entry for this variant (Variation ID: 866113). Advanced modeling of protein sequence and biophysical properties (such as structural, functional, and spatial information, amino acid conservation, physicochemical variation, residue mobility, and thermodynamic stability) performed at Invitae indicates that this missense variant is expected to disrupt RHO protein function with a positive predictive value of 80%. Experimental studies have shown that this missense change affects RHO function (PMID: 30977563). This variant disrupts the p.Gly114 amino acid residue in RHO. Other variant(s) that disrupt this residue have been determined to be pathogenic (PMID: 8088850, 30977563). This suggests that this residue is clinically significant, and that variants that disrupt this residue are likely to be disease-causing. For these reasons, this variant has been classified as Pathogenic.

Literature cited by the submitters: PubMed 10967073 (cited by Labcorp Genetics (formerly Invitae), Labcorp); PubMed 30977563 (cited by Labcorp Genetics (formerly Invitae), Labcorp); PubMed 8088850 (cited by Labcorp Genetics (formerly Invitae), Labcorp).